The following is an entry in ClinVar:

ClinVar aggregate classification (germline): Uncertain significance (1 of 4 stars; one submission).

Conditions:
Short-rib thoracic dysplasia 14 with polydactyly (SRTD14). Identifiers: Orphanet 397715, MedGen C4225286, MONDO:0014688, OMIM 616546.
Joubert syndrome 23 (JBTS23). Identifiers: Orphanet 475, MedGen C4084822, MONDO:0014664, OMIM 616490.

Allele frequency attached by ClinVar (database versions not stated): gnomAD 0.00001; ExAC 0.00002; gnomAD exomes 0.00002; TOPMed 0.00002.
gnomAD v4.1: 31 of 1,613,076 alleles (0.0019%); highest among the groups gnomAD compares: Admixed American, 0.005%; no homozygotes.

Submission:

Labcorp Genetics (formerly Invitae), Labcorp
Classification: Uncertain significance for Joubert syndrome 23; Short-rib thoracic dysplasia 14 with polydactyly. Last evaluated: 2022-07-14. Review status: criteria provided, single submitter. Criteria: Invitae Variant Classification Sherloc (09022015). Collection method: clinical testing. Allele origin: germline.
Comment: This sequence change replaces methionine, which is neutral and non-polar, with valine, which is neutral and non-polar, at codon 764 of the KIAA0586 protein (p.Met764Val). This variant is present in population databases (rs773049862, gnomAD 0.003%). This variant has not been reported in the literature in individuals affected with KIAA0586-related conditions. Algorithms developed to predict the effect of missense changes on protein structure and function output the following: SIFT: "Tolerated"; PolyPhen-2: "Benign"; Align-GVGD: "Class C0". The valine amino acid residue is found in multiple mammalian species, which suggests that this missense change does not adversely affect protein function. In summary, the available evidence is currently insufficient to determine the role of this variant in disease. Therefore, it has been classified as a Variant of Uncertain Significance.

NM_001329943.3(KIAA0586):c.2131A>G (p.Met711Val)

Gene: KIAA0586 (KIAA0586; plus strand). Cytogenetic location: 14q23.1.
Variant type: single nucleotide variant.
Coding change: c.2131A>G on transcript NM_001329943.3 (MANE Select); coding-DNA position 2131, A replaced by G.
Protein change: p.Met711Val; replaces methionine 711 with valine.
Molecular consequence: missense variant.
Genome position (GRCh38, 1-based): chr14:58,465,906, A>G. VCF-style: chr14-58465906-A-G. GRCh37 (hg19) VCF-style: chr14-58932624-A-G.
Other names: c.2290A>G, p.Met764Val (NM_001244189.2); c.2086A>G, p.Met696Val (NM_001244190.2); c.1876A>G, p.Met626Val (NM_001244191.2, NM_001329945.2, NM_001364700.1 and 1 more transcripts); c.1999A>G, p.Met667Val (NM_001244192.2); c.1711A>G, p.Met571Val (NM_001244193.2); c.2131A>G, p.Met711Val (NM_001329944.2, NM_001329946.2, NM_001329947.2); c.1903A>G, p.Met635Val (NM_014749.5); short protein forms M571V, M626V, M711V, M667V, M764V, M635V, M696V.
Identifiers: ClinVar variation 2062515 (VCV002062515.1), dbSNP rs773049862, ClinGen allele CA7205792.